The following is an entry in ClinVar:

ClinVar aggregate classification (germline): Uncertain significance (1 of 4 stars; one submission).

Conditions:
Senior-Loken syndrome 8 (SLSN8). Identifiers: Orphanet 3156, MedGen C4225376, MONDO:0014579, OMIM 616307.
Asphyxiating thoracic dystrophy 5 (SRTD5). Also called: SHORT-RIB THORACIC DYSPLASIA 5 WITH OR WITHOUT POLYDACTYLY; SHORT-RIB THORACIC DYSPLASIA 5 WITHOUT POLYDACTYLY. Identifiers: Orphanet 474, MedGen C3280598, MONDO:0013717, OMIM 614376.

Allele frequency attached by ClinVar (database versions not stated): TOPMed below 0.00001; gnomAD 0.00001; gnomAD exomes 0.00001.
gnomAD v4.1: 13 of 1,606,366 alleles (0.00081%); highest among the groups gnomAD compares: Non-Finnish European, 0.0011%; no homozygotes.

Submission:

Labcorp Genetics (formerly Invitae), Labcorp
Classification: Uncertain significance for Senior-Loken syndrome 8; Asphyxiating thoracic dystrophy 5. Last evaluated: 2020-03-14. Review status: criteria provided, single submitter. Criteria: Invitae Variant Classification Sherloc (09022015). Collection method: clinical testing. Allele origin: germline.
Comment: This variant is not present in population databases (ExAC no frequency). In summary, the available evidence is currently insufficient to determine the role of this variant in disease. Therefore, it has been classified as a Variant of Uncertain Significance. Nucleotide substitutions within the consensus splice site are a relatively common cause of aberrant splicing (PMID: 17576681, 9536098). Algorithms developed to predict the effect of sequence changes on RNA splicing suggest that this variant may disrupt the consensus splice site, but this prediction has not been confirmed by published transcriptional studies. This variant has not been reported in the literature in individuals with WDR19-related conditions. This sequence change falls in intron 26 of the WDR19 gene. It does not directly change the encoded amino acid sequence of the WDR19 protein, but it affects a nucleotide within the consensus splice site of the intron.

Literature cited by the submitters: PubMed 17576681; PubMed 9536098.

NM_025132.4(WDR19):c.3001+3A>G

Gene: WDR19 (WD repeat domain 19; plus strand). Cytogenetic location: 4p14.
Variant type: single nucleotide variant.
Coding change: c.3001+3A>G on transcript NM_025132.4 (MANE Select); 3 bases into the intron after coding-DNA position 3001, A replaced by G.
Molecular consequence: intron variant.
Genome position (GRCh38, 1-based): chr4:39,254,033, A>G. VCF-style: chr4-39254033-A-G. GRCh37 (hg19) VCF-style: chr4-39255653-A-G.
Other names: c.2521+3A>G (NM_001317924.2).
Identifiers: ClinVar variation 1061465 (VCV001061465.7), dbSNP rs986476372, ClinGen allele CA95692350.